The following is an entry in ClinVar:

NM_001130438.3(SPTAN1):c.2021T>G (p.Leu674Arg)

Gene: SPTAN1 (spectrin alpha, non-erythrocytic 1; plus strand). Cytogenetic location: 9q34.11.
Variant type: single nucleotide variant.
Coding change: c.2021T>G on transcript NM_001130438.3 (MANE Select); coding-DNA position 2021, T replaced by G.
Protein change: p.Leu674Arg; replaces leucine 674 with arginine.
Molecular consequence: missense variant.
Genome position (GRCh38, 1-based): chr9:128,583,797, T>G. VCF-style: chr9-128583797-T-G. GRCh37 (hg19) VCF-style: chr9-131346076-T-G.
Other names: p.Leu674Arg; c.2021T>G, p.Leu674Arg (NM_001195532.2, NM_001363759.2, NM_001363765.2 and 10 more transcripts); c.2057T>G, p.Leu686Arg (NM_001375312.2, NM_001375318.1, NM_001438440.1); short protein forms L674R, L686R.
Identifiers: ClinVar variation 4871807 (VCV004871807.1).

ClinVar aggregate classification (germline): Uncertain significance (1 of 4 stars; one submission).

Conditions:
Spastic paraplegia 91, autosomal dominant, with or without cerebellar ataxia (SPG91). Identifiers: MedGen C5882701, MONDO:0957813, OMIM 620538.

Submission:

Department of Molecular Genetics, Istishari Arab Hospital
Classification: Uncertain significance for Spastic paraplegia 91, autosomal dominant, with or without cerebellar ataxia. Last evaluated: 2026-07-13. Review status: criteria provided, single submitter. Criteria: ACMG Guidelines, 2015. Collection method: clinical testing. Allele origin: germline. Inheritance: Autosomal dominant inheritance. Affected: yes.
Comment: The SPTAN1 variant c.2021T>G, p.Leu674Arg creates an amino acid change from Leu to Arg at position 674. The variant is not observed in the gnomAD v4.1.0 dataset and, to the best of our knowledge, has not been reported in the literature. It is classified as a variant of uncertain significance based on ACMG/AMP/ClinGen SVI guidelines.